The following is an entry in ClinVar:

ClinVar aggregate classification (germline): Benign/Likely benign. Review status: criteria provided, multiple submitters, no conflicts (2 of 4 stars). 10 submissions from 10 submitters: Benign (7); Likely benign (1). 2 of the submissions do not count toward it. Last evaluated 2026-02-04.

Conditions:
Primary ciliary dyskinesia 15. Also called: CILIARY DYSKINESIA, PRIMARY, 15, WITH OR WITHOUT SITUS INVERSUS. Identifiers: Orphanet 244, MedGen C3151137, MONDO:0013435, OMIM 613808.
Primary ciliary dyskinesia. Also called: Ciliary dyskinesia. Identifiers: Orphanet 244, MedGen C0008780, MONDO:0016575, HP:0012265.

Allele frequency attached by ClinVar (database versions not stated): gnomAD exomes 0.23942 and 0.24636; ExAC 0.28114; 1000 Genomes Project 0.32987; 1000 Genomes Project 30x 0.33635; gnomAD 0.34122 and 0.34974; TOPMed 0.34327; ESP Exome Variant Server 0.34924.
gnomAD v4.1: 400,859 of 1,607,888 alleles (25%); highest among the groups gnomAD compares: African/African-American, 63%; 56,670 homozygotes.

Submissions (10):

Labcorp Genetics (formerly Invitae), Labcorp
Classification: Benign for Primary ciliary dyskinesia. Last evaluated: 2026-02-04. Review status: criteria provided, single submitter. Criteria: Invitae Variant Classification Sherloc (09022015). Collection method: clinical testing. Allele origin: germline.

Blueprint Genetics
Classification: Likely benign. Last evaluated: 2024-11-28. Review status: criteria provided, single submitter. Criteria: ACMG Guidelines, 2015. Collection method: clinical testing. Allele origin: germline.

Genome-Nilou Lab
Classification: Benign for Primary ciliary dyskinesia 15. Last evaluated: 2021-07-14. Review status: criteria provided, single submitter. Criteria: ACMG Guidelines, 2015. Collection method: clinical testing. Allele origin: germline. Affected: no.

GeneDx
Classification: Benign. Last evaluated: 2018-07-09. Review status: criteria provided, single submitter. Criteria: GeneDx Variant Classification Process June 2021. Collection method: clinical testing. Allele origin: germline. Affected: yes.

Illumina Laboratory Services, Illumina
Classification: Benign for Primary ciliary dyskinesia 15. Last evaluated: 2018-01-13. Review status: criteria provided, single submitter. Criteria: ICSL Variant Classification Criteria 13 December 2019. Collection method: clinical testing. Allele origin: germline.
Comment: This variant was observed in the ICSL laboratory as part of a predisposition screen in an ostensibly healthy population. It had not been previously curated by ICSL or reported in the Human Gene Mutation Database (HGMD: prior to June 1st, 2018), and was therefore a candidate for classification through an automated scoring system. Utilizing variant allele frequency, disease prevalence and penetrance estimates, and inheritance mode, an automated score was calculated to assess if this variant is too frequent to cause the disease. Based on the score and internal cut-off values, a variant classified as benign is not then subjected to further curation. The score for this variant resulted in a classification of benign for this disease.

Laboratory for Molecular Medicine, Mass General Brigham Personalized Medicine
Classification: Benign. Last evaluated: 2013-02-21. Review status: criteria provided, single submitter. Criteria: LMM Criteria. Collection method: clinical testing. Allele origin: germline. Observed: 47 variant alleles.
Comment: 676+13T>C in intron 4 of CCDC40: This variant is not expected to have clinical s ignificance because it is not located within the conserved splice consensus sequ ence. It has been identified in 40.2% (1665/4138) of African American chromosome s from a broad population by the NHLBI Exome Sequencing Project (dbSNP rs7212525).

Breakthrough Genomics
Classification: Benign. Review status: criteria provided, single submitter. Criteria: ACMG Guidelines, 2015. Collection method: not provided. Allele origin: germline. Inheritance: Autosomal recessive inheritance. Affected: yes.

PreventionGenetics, part of Exact Sciences
Classification: Benign. Review status: criteria provided, single submitter. Criteria: ACMG Guidelines, 2015. Collection method: clinical testing. Allele origin: germline.

Clinical Genetics DNA and cytogenetics Diagnostics Lab, Erasmus MC, Erasmus Medical Center
Classification: Benign. Review status: no assertion criteria provided. Collection method: clinical testing. Allele origin: germline. Affected: yes. Study: VKGL Data-share Consensus. Not counted in ClinVar's aggregate classification.

Diagnostic Laboratory, Department of Genetics, University Medical Center Groningen
Classification: Benign for Primary ciliary dyskinesia 15. Review status: no assertion criteria provided. Collection method: clinical testing. Allele origin: germline. Affected: yes. Study: VKGL Data-share Consensus. Not counted in ClinVar's aggregate classification.

NM_017950.4(CCDC40):c.676+13T>C

Gene: CCDC40 (coiled-coil domain 40 molecular ruler complex subunit; plus strand). Cytogenetic location: 17q25.3.
Variant type: single nucleotide variant.
Coding change: c.676+13T>C on transcript NM_017950.4 (MANE Select); 13 bases into the intron after coding-DNA position 676, T replaced by C.
Molecular consequence: intron variant.
Genome position (GRCh38, 1-based): chr17:80,047,415, T>C. VCF-style: chr17-80047415-T-C. GRCh37 (hg19) VCF-style: chr17-78021214-T-C.
Other names: c.676+13T>C (NM_001243342.2, NM_001330508.2).
Identifiers: ClinVar variation 178707 (VCV000178707.24), dbSNP rs7212525, ClinGen allele CA182827.